The following is an entry in ClinVar:

ClinVar aggregate classification (germline): Likely pathogenic (1 of 4 stars; one submission).

Submission:

Dasa
Classification: Likely pathogenic. Last evaluated: 2026-04-27. Review status: criteria provided, single submitter. Criteria: DASA Assertion Criteria. Collection method: clinical testing. Allele origin: germline.
Comment: NM_022772.4(EPS8L2):c.1128dup (p.Val377Argfs*11) is a frameshift variant in EPS8L2 predicted to alter the reading frame and introduce a premature termination codon and is predicted to result in an absent or altered protein product. Loss of function is an established disease mechanism for EPS8L2-associated disorders. Also, this variant is absent from population databases. Based on the currently available evidence, this variant is classified as likely pathogenic.

NM_022772.4(EPS8L2):c.1128dup (p.Val377fs)

Gene: EPS8L2 (EPS8 signaling adaptor L2; plus strand). Cytogenetic location: 11p15.5.
Variant type: Duplication.
Coding change: c.1128dup on transcript NM_022772.4 (MANE Select); coding-DNA position 1128, one base duplicated (C; older notation c.1128dupC).
Protein change: p.Val377fs; shifts the reading frame from valine 377.
Molecular consequence: frameshift variant.
Genome position (GRCh38, 1-based): chr11:722,469, C duplicated; the last of 2 consecutive C bases (chr11:722,468-722,469); duplicating either gives the same sequence. VCF-style (leftmost placement, unchanged base first): chr11-722467-G-GC. GRCh37 (hg19) VCF-style: chr11-722467-G-GC.
Other names: c.1128dup, p.Val377fs (NM_001441192.1, NM_001441193.1); c.591dup, p.Val198fs (NM_001441194.1); short protein forms V198fs, V377fs.
Identifiers: ClinVar variation 4885922 (VCV004885922.2).